The following is an entry in ClinVar:

ClinVar aggregate classification (germline): Benign. Review status: criteria provided, multiple submitters, no conflicts (2 of 4 stars). 3 submissions from 3 submitters: Benign (2). 1 of the submissions does not count toward it. Last evaluated 2025-11-23.

Conditions:
PODXL-related disorder. Also called: PODXL-related condition.

Allele frequency attached by ClinVar (database versions not stated): gnomAD exomes 0.00060 and 0.00217; TOPMed 0.00083; gnomAD 0.00092 and 0.00060; ExAC 0.00198; 1000 Genomes Project 30x 0.00703; 1000 Genomes Project 0.00779; ESP Exome Variant Server 0.00008.
gnomAD v4.1: 1,079 of 1,613,854 alleles (0.067%); highest among the groups gnomAD compares: East Asian, 2.1%; 10 homozygotes.

Submissions (3):

Labcorp Genetics (formerly Invitae), Labcorp
Classification: Benign. Last evaluated: 2025-11-23. Review status: criteria provided, single submitter. Criteria: Invitae Variant Classification Sherloc (09022015). Collection method: clinical testing. Allele origin: germline.

Mayo Clinic Laboratories, Mayo Clinic
Classification: Benign. Last evaluated: 2024-02-16. Review status: criteria provided, single submitter. Criteria: ACMG Guidelines, 2015. Collection method: clinical testing. Allele origin: germline. Observed: 3 variant alleles.
Comment: BS1, BS2, BP4, BP7

PreventionGenetics, part of Exact Sciences
Classification: Benign for PODXL-related condition. Last evaluated: 2019-03-27. Review status: no assertion criteria provided. Collection method: clinical testing. Allele origin: germline. Not counted in ClinVar's aggregate classification.
Comment: This variant is classified as benign based on ACMG/AMP sequence variant interpretation guidelines (Richards et al. 2015 PMID: 25741868, with internal and published modifications).

NM_001018111.3(PODXL):c.1011T>C (p.His337=)

Gene: PODXL (podocalyxin like; minus strand). Cytogenetic location: 7q32.3.
Variant type: single nucleotide variant.
Coding change: c.1011T>C on transcript NM_001018111.3 (MANE Select); coding-DNA position 1011, T replaced by C.
Protein change: p.His337=; no amino-acid change (histidine 337 retained).
Molecular consequence: synonymous variant.
Genome position (GRCh38, 1-based): chr7:131,509,377, A>G on the plus strand (T>C on the coding strand, the complement: PODXL is on the minus strand). VCF-style: chr7-131509377-A-G. GRCh37 (hg19) VCF-style: chr7-131194136-A-G.
Other names: p.His305=; c.915T>C, p.His305= (NM_005397.4).
Identifiers: ClinVar variation 719149 (VCV000719149.13), dbSNP rs3212297, ClinGen allele CA4488563.